The following is an entry in ClinVar:

NM_173660.5(DOK7):c.533-2A>G

Genes: DOK7 (docking protein 7; plus strand), LOC126806951 (CDK7 strongly-dependent group 2 enhancer GRCh37_chr4:3486115-3487314; plus strand). Cytogenetic location: 4p16.3.
Variant type: single nucleotide variant.
Coding change: c.533-2A>G on transcript NM_173660.5 (MANE Select); the canonical splice acceptor site of the intron before coding-DNA position 533, A replaced by G.
Molecular consequence: splice acceptor variant.
Genome position (GRCh38, 1-based): chr4:3,485,537, A>G. VCF-style: chr4-3485537-A-G. GRCh37 (hg19) VCF-style: chr4-3487264-A-G.
Other names: NM_001256896.2:c.-398-2A>G; c.533-2A>G (NM_001301071.2); c.101-2A>G (NM_001363811.2); c.522-2A>G (NM_001164673.2); c.-398-2A>G (NM_001256896.2).
Identifiers: ClinVar variation 2500847 (VCV002500847.4), dbSNP rs2475052844, ClinGen allele CA356114853.

ClinVar aggregate classification (germline): Conflicting classifications of pathogenicity. Review status: criteria provided, conflicting classifications (1 of 4 stars). 2 submissions from 2 submitters: Likely pathogenic (1); Uncertain significance (1). Last evaluated 2024-02-28.

Conditions:
Congenital myasthenic syndrome 10. Also called: Myasthenia, limb-girdle, familial. Identifiers: Orphanet 590, MedGen C1850792, MONDO:0009690, OMIM 254300.

Allele frequency attached by ClinVar (database versions not stated): gnomAD exomes below 0.00001.
gnomAD v4.1: 2 of 1,596,778 alleles (0.00013%); highest among the groups gnomAD compares: Non-Finnish European, 0.00017%; no homozygotes.

Submissions (2):

Human Genetics Section, Sidra Medicine
Classification: Likely pathogenic for Congenital myasthenic syndrome 10. Last evaluated: 2024-02-28. Review status: criteria provided, single submitter. Criteria: ACMG Guidelines, 2015. Collection method: research. Allele origin: germline. Affected: yes. Observed: 1 variant allele.
Comment: Loss of function is a known mechanism of disease in this gene. Extremely low frequency in gnomAD population databases. ClinVar contains an entry for this variant (Variation ID: 2500847). We classify this variant as likely pathogenic according to ACMG Guidelines

Broad Center for Mendelian Genomics, Broad Institute of MIT and Harvard
Classification: Uncertain significance for Congenital myasthenic syndrome 10. Last evaluated: 2023-05-02. Review status: criteria provided, single submitter. Criteria: ACMG Guidelines, 2015. Collection method: curation. Allele origin: germline. Inheritance: Autosomal recessive inheritance.
Comment: The c.533-2A>G variant in DOK7 has not been previously reported in individuals with congenital myasthenic syndrome 10. This variant was absent from large population studies. This variant is located in the 5' splice region. Computational tools do suggest an impact to splicing. However, this information is not predictive enough to determine pathogenicity. There is an in-frame cryptic splice site 54 bases from the intron-exon boundary, providing evidence that this variant may delete 18 amino acids instead of causing loss of function. However, this information is not predictive enough to determine pathogenicity. Loss of function of the DOK7 gene is an established disease mechanism in autosomal recessive congenital myasthenic syndrome 10. In summary, while there is some suspicion for a pathogenic role, the clinical significance of this variant is uncertain. ACMG/AMP Criteria applied: PVS1_Moderate, PM2_Supporting, PM3_Supporting (Richards 2015).